The following is an entry in ClinVar:

NM_000245.4(MET):c.2930C>T (p.Thr977Ile)

Gene: MET (MET proto-oncogene, receptor tyrosine kinase; plus strand). Cytogenetic location: 7q31.2.
Variant type: single nucleotide variant.
Coding change: c.2930C>T on transcript NM_000245.4 (MANE Select); coding-DNA position 2930, C replaced by T.
Protein change: p.Thr977Ile; replaces threonine 977 with isoleucine.
Molecular consequence: missense variant.
Genome position (GRCh38, 1-based): chr7:116,771,891, C>T. VCF-style: chr7-116771891-C-T. GRCh37 (hg19) VCF-style: chr7-116411945-C-T.
Other names: c.2984C>T, p.Thr995Ile (NM_001127500.3); c.1640C>T, p.Thr547Ile (NM_001324402.2); short protein forms T995I, T547I, T977I.
Identifiers: ClinVar variation 856076 (VCV000856076.9), dbSNP rs1794847178, ClinGen allele CA368987081.
Genomic context (GRCh38, chr7:116,771,891, plus strand): 5'-CTTTCTCTCTGTTTTAAGATCTGGGCAGTGAATTAGTTCGCTACGATGCAAGAGTACACA[C>T]TCCTCATTTGGATAGGCTTGTAAGTGCCCGAAGTGTAAGCCCAACTACAGAAATGGTTTC-3'
Protein context (NP_000236.2, residues 967-987): ELVRYDARVH[Thr977Ile]PHLDRLVSAR

ClinVar aggregate classification (germline): Uncertain significance (1 of 4 stars; one submission).

Conditions:
Renal cell carcinoma. Identifiers: Orphanet 217071, MedGen C0007134, MeSH D002292, MONDO:0005086, HP:0005584.

Submission:

Labcorp Genetics (formerly Invitae), Labcorp
Classification: Uncertain significance for Renal cell carcinoma. Last evaluated: 2019-03-12. Review status: criteria provided, single submitter. Criteria: Invitae Variant Classification Sherloc (09022015). Collection method: clinical testing. Allele origin: germline.
Comment: Algorithms developed to predict the effect of missense changes on protein structure and function are either unavailable or do not agree on the potential impact of this missense change (SIFT: "Tolerated"; PolyPhen-2: "Probably Damaging"; Align-GVGD: "Class C0"). In summary, the available evidence is currently insufficient to determine the role of this variant in disease. Therefore, it has been classified as a Variant of Uncertain Significance. This variant has not been reported in the literature in individuals with MET-related conditions. This variant is not present in population databases (ExAC no frequency). This sequence change replaces threonine with isoleucine at codon 995 of the MET protein (p.Thr995Ile). The threonine residue is moderately conserved and there is a moderate physicochemical difference between threonine and isoleucine.